The following is an entry in ClinVar:

ClinVar aggregate classification (germline): Uncertain significance (1 of 4 stars; one submission).

gnomAD v4.1: 1 of 1,613,728 alleles (0.000062%); highest among the groups gnomAD compares: African/African-American, 0.0013%; no homozygotes.

Submission:

GeneDx
Classification: Uncertain significance. Last evaluated: 2023-07-17. Review status: criteria provided, single submitter. Criteria: GeneDx Variant Classification Process June 2021. Collection method: clinical testing. Allele origin: germline. Affected: yes.
Comment: Not observed at significant frequency in large population cohorts (gnomAD); In silico analysis supports that this missense variant does not alter protein structure/function; Has not been previously published as pathogenic or benign to our knowledge

NM_003922.4(HERC1):c.5204C>A (p.Thr1735Asn)

Gene: HERC1 (HECT and RLD domain containing E3 ubiquitin protein ligase family member 1; minus strand). Cytogenetic location: 15q22.31.
Variant type: single nucleotide variant.
Coding change: c.5204C>A on transcript NM_003922.4 (MANE Select); coding-DNA position 5204, C replaced by A.
Protein change: p.Thr1735Asn; replaces threonine 1735 with asparagine.
Molecular consequence: missense variant.
Genome position (GRCh38, 1-based): chr15:63,694,812, G>T on the plus strand (C>A on the coding strand, the complement: HERC1 is on the minus strand). VCF-style: chr15-63694812-G-T. GRCh37 (hg19) VCF-style: chr15-63987011-G-T.
Other names: short protein forms T1735N.
Identifiers: ClinVar variation 3361021 (VCV003361021.1).
Genomic context (GRCh38, chr15:63,694,812, plus strand): 5'-TTTGCAGGAACCGTTTACTTACCAATGTGATGCTTGTTTGCTTGCAGGGCTCTTTCCAGG[G>T]TAGCAGACAACTGTTGATAAATTTTATGCACAGCTACCTGGATTTCAATCTGAATATTTC-3'
Protein context (NP_003913.3, residues 1725-1745): VHKIYQQLSA[Thr1735Asn]LERALQANKH